The following is an entry in ClinVar:

ClinVar aggregate classification (germline): Uncertain significance (1 of 4 stars; one submission).

Submission:

GeneDx
Classification: Uncertain significance. Last evaluated: 2025-01-03. Review status: criteria provided, single submitter. Criteria: GeneDx Variant Classification Process June 2021. Collection method: clinical testing. Allele origin: germline. Affected: yes.
Comment: Not observed at significant frequency in large population cohorts (gnomAD); In silico analysis supports that this missense variant has a deleterious effect on protein structure/function; Has not been previously published as pathogenic or benign to our knowledge

NM_006080.3(SEMA3A):c.209A>G (p.Tyr70Cys)

Gene: SEMA3A (semaphorin 3A; minus strand). Cytogenetic location: 7q21.11.
Variant type: single nucleotide variant.
Coding change: c.209A>G on transcript NM_006080.3 (MANE Select); coding-DNA position 209, A replaced by G.
Protein change: p.Tyr70Cys; replaces tyrosine 70 with cysteine.
Molecular consequence: missense variant.
Genome position (GRCh38, 1-based): chr7:84,134,855, T>C on the plus strand (A>G on the coding strand, the complement: SEMA3A is on the minus strand). VCF-style: chr7-84134855-T-C. GRCh37 (hg19) VCF-style: chr7-83764171-T-C.
Other names: short protein forms Y70C.
Identifiers: ClinVar variation 4055820 (VCV004055820.1).